The following is an entry in ClinVar:

NM_001354604.2(MITF):c.*2673T>G

Gene: MITF (melanocyte inducing transcription factor; plus strand). Cytogenetic location: 3p13.
Variant type: single nucleotide variant.
Coding change: c.*2673T>G on transcript NM_001354604.2 (MANE Select); 2673 bases downstream of the stop codon, T replaced by G.
Molecular consequence: 3 prime UTR variant.
Genome position (GRCh38, 1-based): chr3:69,967,921, T>G. VCF-style: chr3-69967921-T-G. GRCh37 (hg19) VCF-style: chr3-70017072-T-G.
Other names: c.*2673T>G (NM_000248.4, NM_001184967.2, NM_001354605.2 and 8 more transcripts).
Identifiers: ClinVar variation 899588 (VCV000899588.4), dbSNP rs75204045, ClinGen allele CA77003812.
Genomic context (GRCh38, chr3:69,967,921, plus strand): 5'-GGGCCTCTATATGGAGTGACCAAAATGCCAAAATTGTCCATCTGCCTCTGAGTAGGGCAA[T>G]GGAAATACCAAACCTTCTGACTTTGCCAAAAAGCATACAAGCAACCTGGTCATACATAGG-3'

ClinVar aggregate classification (germline): Benign. Review status: criteria provided, single submitter (1 of 4 stars). 2 submissions from 1 submitter: Benign (2). Last evaluated 2018-01-13.

Conditions:
Waardenburg syndrome type 2A (WS2A). Also called: WAARDENBURG SYNDROME WITHOUT DYSTOPIA CANTHORUM. Identifiers: Orphanet 3440, MedGen C1860339, MONDO:0008671, OMIM 193510.
Tietz syndrome (TADS). Also called: ALBINISM-DEAFNESS OF TIETZ; HYPOPIGMENTATION/DEAFNESS OF TIETZ; TIETZ ALBINISM-DEAFNESS SYNDROME. Identifiers: Orphanet 42665, MedGen C0391816, MONDO:0007077, OMIM 103500.

Allele frequency attached by ClinVar (database versions not stated): gnomAD 0.00017 and 0.00024; TOPMed 0.00031; gnomAD exomes 0.00046; 1000 Genomes Project 0.00120; 1000 Genomes Project 30x 0.00141.
gnomAD v4.1: 72 of 233,484 alleles (0.031%); highest among the groups gnomAD compares: East Asian, 0.41%; no homozygotes.

Submissions (2):

Illumina Laboratory Services, Illumina
Classification: Benign for Tietz syndrome. Last evaluated: 2018-01-13. Review status: criteria provided, single submitter. Criteria: ICSL Variant Classification Criteria 13 December 2019. Collection method: clinical testing. Allele origin: germline.
Comment: This variant was observed in the ICSL laboratory as part of a predisposition screen in an ostensibly healthy population. It had not been previously curated by ICSL or reported in the Human Gene Mutation Database (HGMD: prior to June 1st, 2018), and was therefore a candidate for classification through an automated scoring system. Utilizing variant allele frequency, disease prevalence and penetrance estimates, and inheritance mode, an automated score was calculated to assess if this variant is too frequent to cause the disease. Based on the score and internal cut-off values, a variant classified as benign is not then subjected to further curation. The score for this variant resulted in a classification of benign for this disease.

Illumina Laboratory Services, Illumina
Classification: Benign for Waardenburg syndrome type 2A. Last evaluated: 2018-01-13. Review status: criteria provided, single submitter. Criteria: ICSL Variant Classification Criteria 13 December 2019. Collection method: clinical testing. Allele origin: germline.
Comment: the same text as in the submission from Illumina Laboratory Services, Illumina above.